The following is an entry in ClinVar:

GRCh38/hg38 21q11.2-22.11(chr21:14000720-30903065)x1

Genes: ADAMTS1 (ADAM metallopeptidase with thrombospondin type 1 motif 1; minus strand), ADAMTS5 (ADAM metallopeptidase with thrombospondin type 1 motif 5; minus strand), APP (amyloid beta precursor protein; minus strand), APP-DT (APP divergent transcript; plus strand), ASMER1 (adipocyte associated metabolic related lncRNA 1; minus strand) and 298 more. Cytogenetic location: 21q11.2-22.11.
Variant type: copy number loss.
Change: copy number 1 (one copy instead of two) of chr21:14,000,720-30,903,065 (16.90 Mb, GRCh38 coordinates, 1-based), cytogenetic band 21q11.2-22.11.
Identifiers: ClinVar variation 59005 (VCV000059005.2).

ClinVar aggregate classification (germline): Pathogenic (1 of 4 stars; one submission).

Submission:

ISCA Site 6
Classification: Pathogenic. Last evaluated: 2011-08-12. Review status: criteria provided, single submitter. Criteria: Kaminsky et al. (Genet Med. 2011). Collection method: clinical testing. Allele origin: unknown. Affected: yes. Observed: 1 variant allele.
Comment: Copy number variation identified through the course of routine clinical cytogenomic testing in postnatal populations. Clinical assertions have been curated as described in Kaminsky et al. 2011.